The following is an entry in ClinVar:

NM_018105.3(THAP1):c.108G>T (p.Trp36Cys)

Gene: THAP1 (THAP domain containing 1; minus strand). Cytogenetic location: 8p11.21.
Variant type: single nucleotide variant.
Coding change: c.108G>T on transcript NM_018105.3 (MANE Select); coding-DNA position 108, G replaced by T.
Protein change: p.Trp36Cys; replaces tryptophan 36 with cysteine.
Molecular consequence: missense variant. On other transcripts: intron variant (1).
Genome position (GRCh38, 1-based): chr8:42,839,345, C>A on the plus strand (G>T on the coding strand, the complement: THAP1 is on the minus strand). VCF-style: chr8-42839345-C-A. GRCh37 (hg19) VCF-style: chr8-42694488-C-A.
Other names: c.72-1009G>T (NM_199003.2); short protein forms W36C.
Identifiers: ClinVar variation 4081839 (VCV004081839.1).

ClinVar aggregate classification (germline): Likely pathogenic (1 of 4 stars; one submission).

Conditions:
Torsion dystonia 6 (DYT6). Also called: DYT-THAP1. Identifiers: Orphanet 98806, MedGen C1414216, MONDO:0011264, OMIM 602629.

Submission:

Adult Rare Diseases, Centro de Referencia Nacional de Defectos Congénitos Y Enfermedades Raras
Classification: Likely pathogenic for Torsion dystonia 6. Last evaluated: 2024-09-06. Review status: criteria provided, single submitter. Criteria: ACMG Guidelines, 2015. Collection method: clinical testing. Allele origin: de novo. Inheritance: Autosomal dominant inheritance. Affected: yes. Observed: 1 heterozygote.
Comment: The variant is absent from population databases (gnomAD, 1000 Genomes), and multiple in silico prediction tools suggest a deleterious impact on protein function. Although the variant has not been previously reported, similar missense variants in THAP1 have been associated with DYT6 dystonia. Based on the clinical phenotype and molecular context, we consider this variant to be likely pathogenic. Criteria applied: PM2, PP3, PP4, PS4_supporting. Segregation analysis is pending.